The following is an entry in ClinVar:

NM_000288.4(PEX7):c.508del (p.Cys170fs)

Gene: PEX7 (peroxisomal biogenesis factor 7; plus strand). Cytogenetic location: 6q23.3.
Variant type: Deletion.
Coding change: c.508del on transcript NM_000288.4 (MANE Select); coding-DNA position 508, one base deleted (T; older notation c.508delT).
Protein change: p.Cys170fs; shifts the reading frame from cysteine 170.
Molecular consequence: frameshift variant.
Genome position (GRCh38, 1-based): chr6:136,846,163, T deleted; the last of 2 consecutive T bases (chr6:136,846,162-136,846,163); deleting either gives the same sequence. VCF-style (leftmost placement, unchanged base first): chr6-136846161-GT-G. GRCh37 (hg19) VCF-style: chr6-137167299-GT-G.
Other names: short protein forms C170fs.
Identifiers: ClinVar variation 370867 (VCV000370867.7), dbSNP rs1057516827, ClinGen allele CA16041014.
Genomic context (GRCh38, chr6:136,846,161, plus strand): 5'-GCACCTTTAGAGGCCATGAAAGTATTATTTATAGCACAATCTGGTCTCCCCACATCCCTG[GT>G]TGTTTTGCTTCAGCCTCAGGTAAATTATTCTGTATTTACCAAAAGCCTTACTTGTAGTGA-3'

ClinVar aggregate classification (germline): Pathogenic. Review status: criteria provided, single submitter (1 of 4 stars). 2 submissions from 2 submitters: Pathogenic (1). 1 of the submissions does not count toward it. Last evaluated 2023-09-03.

Conditions:
Peroxisome biogenesis disorder 9B. Also called: PEROXISOME BIOGENESIS DISORDER, PEX7-RELATED, ATYPICAL; PEX7-Related Refsum Disease; Refsum disease, adult, 2. Identifiers: Orphanet 773, MedGen C2749346, MONDO:0013945, OMIM 614879.
Rhizomelic chondrodysplasia punctata type 1 (RCDP1). Also called: CHONDRODYSTROPHIA CALCIFICANS PUNCTATA; PEROXISOME BIOGENESIS DISORDER 9; PEX7-Related Rhizomelic Chondrodysplasia Punctata. Identifiers: Orphanet 177, Orphanet 309789, MedGen C1859133, MONDO:0008972, OMIM 215100. Disease mechanism: loss of function.

Submissions (2):

Labcorp Genetics (formerly Invitae), Labcorp
Classification: Pathogenic for Peroxisome biogenesis disorder 9B. Last evaluated: 2023-09-03. Review status: criteria provided, single submitter. Criteria: Invitae Variant Classification Sherloc (09022015). Collection method: clinical testing. Allele origin: germline.
Comment: ClinVar contains an entry for this variant (Variation ID: 370867). This variant has not been reported in the literature in individuals affected with PEX7-related conditions. This variant is not present in population databases (gnomAD no frequency). This sequence change creates a premature translational stop signal (p.Cys170Valfs*11) in the PEX7 gene. It is expected to result in an absent or disrupted protein product. Loss-of-function variants in PEX7 are known to be pathogenic (PMID: 12325024, 12522768, 20301447). For these reasons, this variant has been classified as Pathogenic.

Counsyl
Classification: Likely pathogenic for Rhizomelic chondrodysplasia punctata type 1. Last evaluated: 2016-05-03. Review status: no assertion criteria provided. Collection method: clinical testing. Allele origin: unknown. Not counted in ClinVar's aggregate classification.

Literature cited by the submitters: PubMed 12325024 (cited by Labcorp Genetics (formerly Invitae), Labcorp); PubMed 12522768 (cited by Labcorp Genetics (formerly Invitae), Labcorp); PubMed 20301447 (cited by Labcorp Genetics (formerly Invitae), Labcorp).